The following is an entry in ClinVar:

NM_145200.5(CABP4):c.820C>T (p.Arg274Cys)

Gene: CABP4 (calcium binding protein 4; plus strand). Cytogenetic location: 11q13.2.
Variant type: single nucleotide variant.
Coding change: c.820C>T on transcript NM_145200.5 (MANE Select); coding-DNA position 820, C replaced by T.
Protein change: p.Arg274Cys; replaces arginine 274 with cysteine.
Molecular consequence: missense variant. On other transcripts: non-coding transcript variant (1).
Genome position (GRCh38, 1-based): chr11:67,458,651, C>T. VCF-style: chr11-67458651-C-T. GRCh37 (hg19) VCF-style: chr11-67226122-C-T.
Other names: c.505C>T, p.Arg169Cys (NM_001300895.3, NM_001300896.3, NM_001379183.1); c.820C>T (NM_145200.3); short protein forms R169C, R274C.
Identifiers: ClinVar variation 1059055 (VCV001059055.7), dbSNP rs202142799, ClinGen allele CA224144512.
Genomic context (GRCh38, chr11:67,458,651, plus strand): 5'-TGACGTGGACTGACCCAAGCCCTGCCCTTCTCTCCCGCAGAGTTTGTGATGATGCTCTCC[C>T]GCCACTGAGGCTCCAGGAGGGAATATCTGTTGCCCCTGCGGCCCCAGACACCAGCCAGAC-3'
Protein context (NP_660201.1, residues 264-275): DFDEFVMMLS[Arg274Cys]H

ClinVar aggregate classification (germline): Uncertain significance. Review status: criteria provided, multiple submitters, no conflicts (2 of 4 stars). 2 submissions from 2 submitters: Uncertain significance (2). Last evaluated 2025-04-09.

Conditions:
Inborn genetic diseases. Identifiers: MedGen C0950123, MeSH D030342.

gnomAD v4.1: 30 of 1,613,934 alleles (0.0019%); highest among the groups gnomAD compares: African/African-American, 0.0027%; no homozygotes.

Submissions (2):

Ambry Genetics
Classification: Uncertain significance for Inborn genetic diseases. Last evaluated: 2025-04-09. Review status: criteria provided, single submitter. Criteria: Ambry Variant Classification Scheme 2023. Collection method: clinical testing. Allele origin: germline.

Labcorp Genetics (formerly Invitae), Labcorp
Classification: Uncertain significance. Last evaluated: 2021-09-01. Review status: criteria provided, single submitter. Criteria: Invitae Variant Classification Sherloc (09022015). Collection method: clinical testing. Allele origin: germline.
Comment: This sequence change replaces arginine with cysteine at codon 274 of the CABP4 protein (p.Arg274Cys). The arginine residue is weakly conserved and there is a large physicochemical difference between arginine and cysteine. This variant is not present in population databases (ExAC no frequency). This variant has not been reported in the literature in individuals affected with CABP4-related conditions. Algorithms developed to predict the effect of missense changes on protein structure and function are either unavailable or do not agree on the potential impact of this missense change (SIFT: "Tolerated"; PolyPhen-2: "Possibly Damaging"; Align-GVGD: "Class C0"). In summary, the available evidence is currently insufficient to determine the role of this variant in disease. Therefore, it has been classified as a Variant of Uncertain Significance.